The following is an entry in ClinVar:

NM_002185.5(IL7R):c.1099C>T (p.Leu367Phe)

Gene: IL7R (interleukin 7 receptor; plus strand). Cytogenetic location: 5p13.2.
Variant type: single nucleotide variant.
Coding change: c.1099C>T on transcript NM_002185.5 (MANE Select); coding-DNA position 1099, C replaced by T.
Protein change: p.Leu367Phe; replaces leucine 367 with phenylalanine.
Molecular consequence: missense variant. On other transcripts: non-coding transcript variant (1).
Genome position (GRCh38, 1-based): chr5:35,876,205, C>T. VCF-style: chr5-35876205-C-T. GRCh37 (hg19) VCF-style: chr5-35876307-C-T.
Other names: short protein forms L367F.
Identifiers: ClinVar variation 134535 (VCV000134535.1), dbSNP rs587778406, ClinGen allele CA160120.

ClinVar aggregate classification (germline): not provided (0 of 4 stars; one submission).

Allele frequency attached by ClinVar (database versions not stated): gnomAD 0.00001; TOPMed 0.00001; 1000 Genomes Project 30x 0.00031.

Submission:

ITMI
No classification provided. Condition: AllHighlyPenetrant. Last evaluated: 2013-09-19. Review status: no classification provided. Collection method: reference population. Allele origin: germline.
Comment: Please see associated publication for description of ethnicities

Literature cited by the submitters: PubMed 24728327.